The following is an entry in ClinVar:

ClinVar aggregate classification (germline): Uncertain significance. Review status: criteria provided, multiple submitters, no conflicts (2 of 4 stars). 3 submissions from 3 submitters: Uncertain significance (3). Last evaluated 2024-03-01.

Conditions:
Hereditary cancer-predisposing syndrome. Also called: Neoplastic Syndromes, Hereditary; Tumor predisposition; Hereditary Cancer Syndrome; Hereditary neoplastic syndrome. Identifiers: Orphanet 140162, MedGen C0027672, MeSH D009386, MONDO:0015356.
Dilated cardiomyopathy 1GG (CMD1GG). Identifiers: Orphanet 154, MedGen C3150898, MONDO:0013339, OMIM 613642.
Mitochondrial complex II deficiency, nuclear type 1. Also called: SUCCINATE CoQ REDUCTASE DEFICIENCY. Identifiers: Orphanet 3208, MedGen C5700310, MONDO:0100294, OMIM 252011.
Pheochromocytoma/paraganglioma syndrome 5. Also called: Paragangliomas 5; SDHA-Related Hereditary Paraganglioma-Pheochromocytoma Syndrome. Identifiers: Orphanet 29072, MedGen C3279992, MONDO:0013602, OMIM 614165.

Allele frequency attached by ClinVar (database versions not stated): gnomAD exomes below 0.00001.
gnomAD v4.1: 1 of 1,614,002 alleles (0.000062%); highest among the groups gnomAD compares: Non-Finnish European, 0.000085%; no homozygotes.

Submissions (3):

Baylor Genetics
Classification: Uncertain significance for Dilated cardiomyopathy 1GG. Last evaluated: 2024-03-01. Review status: criteria provided, single submitter. Criteria: ACMG Guidelines, 2015. Collection method: clinical testing. Allele origin: unknown.

Ambry Genetics
Classification: Uncertain significance for Hereditary cancer-predisposing syndrome. Last evaluated: 2023-11-13. Review status: criteria provided, single submitter. Criteria: Ambry Variant Classification Scheme 2023. Collection method: clinical testing. Allele origin: germline.
Comment: The p.V364A variant (also known as c.1091T>C), located in coding exon 9 of the SDHA gene, results from a T to C substitution at nucleotide position 1091. The valine at codon 364 is replaced by alanine, an amino acid with similar properties. This amino acid position is conserved. In addition, this alteration is predicted to be deleterious by in silico analysis. Since supporting evidence is limited at this time, the clinical significance of this alteration remains unclear.

Labcorp Genetics (formerly Invitae), Labcorp
Classification: Uncertain significance for Pheochromocytoma/paraganglioma syndrome 5; Mitochondrial complex II deficiency, nuclear type 1. Last evaluated: 2023-09-15. Review status: criteria provided, single submitter. Criteria: Invitae Variant Classification Sherloc (09022015). Collection method: clinical testing. Allele origin: germline.
Comment: In summary, the available evidence is currently insufficient to determine the role of this variant in disease. Therefore, it has been classified as a Variant of Uncertain Significance. This sequence change replaces valine, which is neutral and non-polar, with alanine, which is neutral and non-polar, at codon 364 of the SDHA protein (p.Val364Ala). This variant is not present in population databases (gnomAD no frequency). This variant has not been reported in the literature in individuals affected with SDHA-related conditions. Advanced modeling of protein sequence and biophysical properties (such as structural, functional, and spatial information, amino acid conservation, physicochemical variation, residue mobility, and thermodynamic stability) performed at Invitae indicates that this missense variant is not expected to disrupt SDHA protein function.

NM_004168.4(SDHA):c.1091T>C (p.Val364Ala)

Gene: SDHA (succinate dehydrogenase complex flavoprotein subunit A; plus strand). Cytogenetic location: 5p15.33.
Variant type: single nucleotide variant.
Coding change: c.1091T>C on transcript NM_004168.4 (MANE Select); coding-DNA position 1091, T replaced by C.
Protein change: p.Val364Ala; replaces valine 364 with alanine.
Molecular consequence: missense variant.
Genome position (GRCh38, 1-based): chr5:235,170, T>C. VCF-style: chr5-235170-T-C. GRCh37 (hg19) VCF-style: chr5-235285-T-C.
Other names: c.1091T>C (NM_004168.2); c.947T>C, p.Val316Ala (NM_001294332.2); c.1091T>C, p.Val364Ala (NM_001330758.2); short protein forms V316A, V364A.
Identifiers: ClinVar variation 2932722 (VCV002932722.5), dbSNP rs2477362461, ClinGen allele CA359013437.